The following is an entry in ClinVar:

ClinVar aggregate classification (germline): Conflicting classifications of pathogenicity. Review status: criteria provided, conflicting classifications (1 of 4 stars). 2 submissions from 2 submitters: Uncertain significance (1); Likely benign (1). Last evaluated 2025-05-19.

Conditions:
Hereditary cancer-predisposing syndrome. Also called: Neoplastic Syndromes, Hereditary; Tumor predisposition; Hereditary Cancer Syndrome; Hereditary neoplastic syndrome. Identifiers: Orphanet 140162, MedGen C0027672, MeSH D009386, MONDO:0015356.
Hereditary breast ovarian cancer syndrome. Also called: Hereditary breast and ovarian cancer syndrome; Hereditary breast and/or ovarian cancer syndrome; Hereditary breast and ovarian cancer syndrome (HBOC); Breast and ovarian cancer; BRCA1- and BRCA2-Associated Hereditary Breast and Ovarian Cancer; Hereditary breast and ovarian cancer. Identifiers: Orphanet 145, MedGen C0677776, MeSH D061325, MONDO:0003582. Disease mechanism: loss of function.

Allele frequency attached by ClinVar (database versions not stated): gnomAD exomes below 0.00001; TOPMed below 0.00001; gnomAD 0.00001.
gnomAD v4.1: 2 of 1,614,068 alleles (0.00012%); highest among the groups gnomAD compares: East Asian, 0.0022%; no homozygotes.

Submissions (2):

Ambry Genetics
Classification: Likely benign for Hereditary cancer-predisposing syndrome. Last evaluated: 2025-05-19. Review status: criteria provided, single submitter. Criteria: Ambry Variant Classification Scheme 2023. Collection method: clinical testing. Allele origin: germline.

Labcorp Genetics (formerly Invitae), Labcorp
Classification: Uncertain significance for Hereditary breast ovarian cancer syndrome. Last evaluated: 2022-06-28. Review status: criteria provided, single submitter. Criteria: Invitae Variant Classification Sherloc (09022015). Collection method: clinical testing. Allele origin: germline.
Comment: In summary, the available evidence is currently insufficient to determine the role of this variant in disease. Therefore, it has been classified as a Variant of Uncertain Significance. Advanced modeling of protein sequence and biophysical properties (such as structural, functional, and spatial information, amino acid conservation, physicochemical variation, residue mobility, and thermodynamic stability) performed at Invitae indicates that this missense variant is not expected to disrupt BRCA2 protein function. ClinVar contains an entry for this variant (Variation ID: 999648). This variant has not been reported in the literature in individuals affected with BRCA2-related conditions. This variant is present in population databases (no rsID available, gnomAD 0.003%). This sequence change replaces isoleucine, which is neutral and non-polar, with threonine, which is neutral and polar, at codon 2693 of the BRCA2 protein (p.Ile2693Thr).

NM_000059.4(BRCA2):c.8078T>C (p.Ile2693Thr)

Gene: BRCA2 (BRCA2 DNA repair associated; plus strand). Cytogenetic location: 13q13.1.
Variant type: single nucleotide variant.
Coding change: c.8078T>C on transcript NM_000059.4 (MANE Select); coding-DNA position 8078, T replaced by C.
Protein change: p.Ile2693Thr; replaces isoleucine 2693 with threonine.
Molecular consequence: missense variant.
Genome position (GRCh38, 1-based): chr13:32,363,280, T>C. VCF-style: chr13-32363280-T-C. GRCh37 (hg19) VCF-style: chr13-32937417-T-C.
Other names: short protein forms I2693T.
Identifiers: ClinVar variation 999648 (VCV000999648.12), dbSNP rs398122595, ClinGen allele CA387749216.
Genomic context (GRCh38, chr13:32,363,280, plus strand): 5'-AAAAGATAATGGAAAGGGATGACACAGCTGCAAAAACACTTGTTCTCTGTGTTTCTGACA[T>C]AATTTCATTGAGCGCAAATATATCTGAAACTTCTAGCAATAAAACTAGTAGTGCAGATAC-3'
Protein context (NP_000050.3, residues 2683-2703): AKTLVLCVSD[Ile2693Thr]ISLSANISET